The following is an entry in ClinVar:

NM_001267550.2(TTN):c.50083C>A (p.Arg16695=)

Genes: TTN-AS1 (TTN antisense RNA 1; plus strand), TTN (titin; minus strand). Cytogenetic location: 2q31.2.
Variant type: single nucleotide variant.
Coding change: c.50083C>A on transcript NM_001267550.2 (MANE Select); coding-DNA position 50083, C replaced by A.
Protein change: p.Arg16695=; no amino-acid change (arginine 16695 retained).
Molecular consequence: synonymous variant.
Genome position (GRCh38, 1-based): chr2:178,612,442, G>T on the plus strand (C>A on the coding strand, the complement: TTN is on the minus strand). VCF-style: chr2-178612442-G-T. GRCh37 (hg19) VCF-style: chr2-179477169-G-T.
Other names: c.45160C>A, p.Arg15054= (NM_001256850.1); c.22888C>A, p.Arg7630= (NM_003319.4); c.42379C>A, p.Arg14127= (NM_133378.4); c.23263C>A, p.Arg7755= (NM_133432.3); c.23464C>A, p.Arg7822= (NM_133437.4).
Identifiers: ClinVar variation 264137 (VCV000264137.22), dbSNP rs751502842, ClinGen allele CA1994449.

ClinVar aggregate classification (germline): Likely benign. Review status: criteria provided, multiple submitters, no conflicts (2 of 4 stars). 7 submissions from 7 submitters: Likely benign (7). Last evaluated 2026-01-20.

Conditions:
Cardiovascular phenotype. Identifiers: MedGen CN230736.
Dilated cardiomyopathy 1G (CMD1G). Identifiers: Orphanet 154, MedGen C1858763, MONDO:0011400, OMIM 604145.
Autosomal recessive limb-girdle muscular dystrophy type 2J (LGMDR10). Also called: Limb-girdle muscular dystrophy, type 2J; MUSCULAR DYSTROPHY, LIMB-GIRDLE, AUTOSOMAL RECESSIVE 10. Identifiers: Orphanet 140922, MedGen C1837342, MONDO:0012127, OMIM 608807.

Allele frequency attached by ClinVar (database versions not stated): ExAC 0.00003; gnomAD 0.00004 and 0.00005; gnomAD exomes 0.00004; TOPMed 0.00005.
gnomAD v4.1: 230 of 1,612,276 alleles (0.014%); highest among the groups gnomAD compares: Non-Finnish European, 0.019%; no homozygotes.

Submissions (7):

Labcorp Genetics (formerly Invitae), Labcorp
Classification: Likely benign for Dilated cardiomyopathy 1G; Autosomal recessive limb-girdle muscular dystrophy type 2J. Last evaluated: 2026-01-20. Review status: criteria provided, single submitter. Criteria: Invitae Variant Classification Sherloc (09022015). Collection method: clinical testing. Allele origin: germline.

Molecular Diagnostic Laboratory for Inherited Cardiovascular Disease, Montreal Heart Institute
Classification: Likely benign. Last evaluated: 2025-04-09. Review status: criteria provided, single submitter. Criteria: ACMG Guidelines, 2015. Collection method: clinical testing. Allele origin: germline. Affected: no.

Blueprint Genetics
Classification: Likely benign. Last evaluated: 2024-03-06. Review status: criteria provided, single submitter. Criteria: ACMG Guidelines, 2015. Collection method: clinical testing. Allele origin: germline.

Women's Health and Genetics/Laboratory Corporation of America, LabCorp
Classification: Likely benign. Last evaluated: 2021-12-04. Review status: criteria provided, single submitter. Criteria: LabCorp Variant Classification Summary - May 2015. Collection method: clinical testing. Allele origin: germline.

GeneDx
Classification: Likely benign. Last evaluated: 2020-10-16. Review status: criteria provided, single submitter. Criteria: GeneDx Variant Classification Process June 2021. Collection method: clinical testing. Allele origin: germline. Affected: yes.

Laboratory for Molecular Medicine, Mass General Brigham Personalized Medicine
Classification: Likely benign. Last evaluated: 2016-04-26. Review status: criteria provided, single submitter. Criteria: LMM Criteria. Collection method: clinical testing. Allele origin: germline. Observed: 1 variant allele.
Comment: p.Arg14127Arg in exon 215 of TTN: This variant is not expected to have clinical significance because it does not alter an amino acid residue and is not located within the splice consensus sequence. It has been identified in 4/65548 European chromosomes by the Exome Aggregation Consortium (ExAC; dbSNP rs751502842).

Ambry Genetics
Classification: Likely benign for Cardiovascular phenotype. Last evaluated: 2015-06-29. Review status: criteria provided, single submitter. Criteria: Ambry Variant Classification Scheme 2023. Collection method: clinical testing. Allele origin: germline.